The following is an entry in ClinVar:

ClinVar aggregate classification (germline): Uncertain significance. Review status: criteria provided, multiple submitters, no conflicts (2 of 4 stars). 3 submissions from 3 submitters: Uncertain significance (3). Last evaluated 2026-08-01.

Conditions:
Myofibrillar myopathy 3 (MFM3). Also called: Autosomal dominant spheroid body myopathy; Muscular dystrophy, proximal, type 1A. Identifiers: Orphanet 266, Orphanet 268129, MedGen C3714934, MONDO:0012215, OMIM 609200.

Allele frequency attached by ClinVar (database versions not stated): gnomAD exomes 0.00001; TOPMed 0.00001.
gnomAD v4.1: 14 of 1,613,960 alleles (0.00087%); highest among the groups gnomAD compares: Admixed American, 0.005%; no homozygotes.

Submissions (3):

CeGaT Center for Human Genetics Tuebingen
Classification: Uncertain significance. Last evaluated: 2026-08-01. Review status: criteria provided, single submitter. Criteria: CeGaT Center For Human Genetics Tuebingen Variant Classification Criteria Version 2. Collection method: clinical testing. Allele origin: germline. Affected: yes. Observed: 1 variant allele.
Comment: MYOT: PM2, BP4

Labcorp Genetics (formerly Invitae), Labcorp
Classification: Uncertain significance for Myofibrillar myopathy 3. Last evaluated: 2023-01-25. Review status: criteria provided, single submitter. Criteria: Invitae Variant Classification Sherloc (09022015). Collection method: clinical testing. Allele origin: germline.
Comment: This sequence change replaces arginine, which is basic and polar, with histidine, which is basic and polar, at codon 251 of the MYOT protein (p.Arg251His). In summary, the available evidence is currently insufficient to determine the role of this variant in disease. Therefore, it has been classified as a Variant of Uncertain Significance. Algorithms developed to predict the effect of missense changes on protein structure and function are either unavailable or do not agree on the potential impact of this missense change (SIFT: "Tolerated"; PolyPhen-2: "Probably Damaging"; Align-GVGD: "Class C0"). ClinVar contains an entry for this variant (Variation ID: 1038438). This variant has not been reported in the literature in individuals affected with MYOT-related conditions. This variant is present in population databases (no rsID available, gnomAD 0.009%).

Revvity Omics, Revvity
Classification: Uncertain significance for Myofibrillar myopathy 3. Last evaluated: 2021-06-21. Review status: criteria provided, single submitter. Criteria: ACMG Guidelines, 2015. Collection method: clinical testing. Allele origin: germline.

NM_006790.3(MYOT):c.752G>A (p.Arg251His)

Genes: MYOT (myotilin; plus strand), PKD2L2-DT (PKD2L2 divergent transcript; minus strand). Cytogenetic location: 5q31.2.
Variant type: single nucleotide variant.
Coding change: c.752G>A on transcript NM_006790.3 (MANE Select); coding-DNA position 752, G replaced by A.
Protein change: p.Arg251His; replaces arginine 251 with histidine.
Molecular consequence: missense variant.
Genome position (GRCh38, 1-based): chr5:137,882,041, G>A. VCF-style: chr5-137882041-G-A. GRCh37 (hg19) VCF-style: chr5-137217730-G-A.
Other names: c.200G>A, p.Arg67His (NM_001135940.2); c.407G>A, p.Arg136His (NM_001300911.2); short protein forms R67H, R136H, R251H.
Identifiers: ClinVar variation 1038438 (VCV001038438.12), dbSNP rs1477747475, ClinGen allele CA361055289.